The following is an entry in ClinVar:

ClinVar aggregate classification (germline): Conflicting classifications of pathogenicity. Review status: criteria provided, conflicting classifications (1 of 4 stars). 2 submissions from 2 submitters: Uncertain significance (1); Likely benign (1). Last evaluated 2024-07-08.

Conditions:
Cardiovascular phenotype. Identifiers: MedGen CN230736.
Hereditary cancer-predisposing syndrome. Also called: Tumor predisposition; Hereditary Cancer Syndrome; Neoplastic Syndromes, Hereditary; Hereditary neoplastic syndrome. Identifiers: Orphanet 140162, MedGen C0027672, MeSH D009386, MONDO:0015356.
Neurofibromatosis, type 1 (NF1). Also called: VON RECKLINGHAUSEN DISEASE; Neurofibromatosis, type I; NEUROFIBROMATOSIS, TYPE I, SOMATIC; Peripheral type neurofibromatosis. Identifiers: Orphanet 636, MedGen C0027831, MONDO:0018975, OMIM 162200. Disease mechanism: loss of function.

Submissions (2):

Labcorp Genetics (formerly Invitae), Labcorp
Classification: Likely benign for Neurofibromatosis, type 1. Last evaluated: 2024-07-08. Review status: criteria provided, single submitter. Criteria: Invitae Variant Classification Sherloc (09022015). Collection method: clinical testing. Allele origin: germline.

Ambry Genetics
Classification: Uncertain significance for Cardiovascular phenotype; Hereditary cancer-predisposing syndrome. Last evaluated: 2023-07-19. Review status: criteria provided, single submitter. Criteria: Ambry Variant Classification Scheme 2023. Collection method: clinical testing. Allele origin: germline.
Comment: The c.2895A>C variant (also known as p.I965I), located in coding exon 22 of the NF1 gene, results from an A to C substitution at nucleotide position 2895. This nucleotide substitution does not change the isoleucine at codon 965. This nucleotide position is not well conserved in available vertebrate species. In silico splice site analysis for this alteration is inconclusive. Since supporting evidence is limited at this time, the clinical significance of this alteration remains unclear.

NM_001042492.3(NF1):c.2895A>C (p.Ile965=)

Gene: NF1 (neurofibromin 1; plus strand). Cytogenetic location: 17q11.2.
Variant type: single nucleotide variant.
Coding change: c.2895A>C on transcript NM_001042492.3 (MANE Select); coding-DNA position 2895, A replaced by C.
Protein change: p.Ile965=; no amino-acid change (isoleucine 965 retained).
Molecular consequence: synonymous variant.
Genome position (GRCh38, 1-based): chr17:31,229,879, A>C. VCF-style: chr17-31229879-A-C. GRCh37 (hg19) VCF-style: chr17-29556897-A-C.
Other names: c.2895A>C, p.Ile965= (NM_000267.4).
Identifiers: ClinVar variation 761809 (VCV000761809.8), dbSNP rs1597716325, ClinGen allele CA499229968.
Genomic context (GRCh38, chr17:31,229,879, plus strand): 5'-TTTGTTCTTTCTTTAGGTTTTATTGACTGATACCAATACTCAATTTGTAGAACAAACCAT[A>C]GCTATAATGAAGAACTTGCTAGATAATCATACTGAAGGCAGCTCTGAACATCTAGGGCAA-3'
Protein context (NP_001035957.1, residues 955-975): DTNTQFVEQT[Ile965=]AIMKNLLDNH